The following is an entry in ClinVar:

NM_001122769.3(LCA5):c.304A>G (p.Lys102Glu)

Gene: LCA5 (lebercilin LCA5; minus strand). Cytogenetic location: 6q14.1.
Variant type: single nucleotide variant.
Coding change: c.304A>G on transcript NM_001122769.3 (MANE Select); coding-DNA position 304, A replaced by G.
Protein change: p.Lys102Glu; replaces lysine 102 with glutamic acid.
Molecular consequence: missense variant.
Genome position (GRCh38, 1-based): chr6:79,513,628, T>C on the plus strand (A>G on the coding strand, the complement: LCA5 is on the minus strand). VCF-style: chr6-79513628-T-C. GRCh37 (hg19) VCF-style: chr6-80223345-T-C.
Other names: c.304A>G, p.Lys102Glu (NM_181714.4); short protein forms K102E.
Identifiers: ClinVar variation 2161700 (VCV002161700.1), dbSNP rs1766321939, ClinGen allele CA364629594.

ClinVar aggregate classification (germline): Uncertain significance (1 of 4 stars; one submission).

Allele frequency attached by ClinVar (database versions not stated): TOPMed below 0.00001.

Submission:

Labcorp Genetics (formerly Invitae), Labcorp
Classification: Uncertain significance. Last evaluated: 2022-03-06. Review status: criteria provided, single submitter. Criteria: Invitae Variant Classification Sherloc (09022015). Collection method: clinical testing. Allele origin: germline.
Comment: This sequence change replaces lysine, which is basic and polar, with glutamic acid, which is acidic and polar, at codon 102 of the LCA5 protein (p.Lys102Glu). This variant is not present in population databases (gnomAD no frequency). This variant has not been reported in the literature in individuals affected with LCA5-related conditions. Algorithms developed to predict the effect of missense changes on protein structure and function are either unavailable or do not agree on the potential impact of this missense change (SIFT: "Deleterious"; PolyPhen-2: "Possibly Damaging"; Align-GVGD: "Class C0"). In summary, the available evidence is currently insufficient to determine the role of this variant in disease. Therefore, it has been classified as a Variant of Uncertain Significance.